The following is an entry in ClinVar:

ClinVar aggregate classification (germline): Uncertain significance (1 of 4 stars; one submission).

gnomAD v4.1: 3 of 1,209,431 alleles (0.00025%); highest among the groups gnomAD compares: Admixed American, 0.0022%; no homozygotes.

Submission:

GeneDx
Classification: Uncertain significance. Last evaluated: 2024-10-21. Review status: criteria provided, single submitter. Criteria: GeneDx Variant Classification Process June 2021. Collection method: clinical testing. Allele origin: germline. Affected: yes.
Comment: Not observed at significant frequency in large population cohorts (gnomAD); In silico analysis indicates that this missense variant does not alter protein structure/function; Has not been previously published as pathogenic or benign to our knowledge

NM_001330574.2(ZNF711):c.1841C>T (p.Pro614Leu)

Gene: ZNF711 (zinc finger protein 711; plus strand). Cytogenetic location: Xq21.1.
Variant type: single nucleotide variant.
Coding change: c.1841C>T on transcript NM_001330574.2 (MANE Select); coding-DNA position 1841, C replaced by T.
Protein change: p.Pro614Leu; replaces proline 614 with leucine.
Molecular consequence: missense variant.
Genome position (GRCh38, 1-based): chrX:85,271,245, C>T. VCF-style: chrX-85271245-C-T. GRCh37 (hg19) VCF-style: chrX-84526251-C-T.
Other names: c.1841C>T, p.Pro614Leu (NM_001375431.1, NM_001375432.1, NM_001375433.1); c.1703C>T, p.Pro568Leu (NM_001375434.1, NM_001375435.1, NM_001375436.1 and 2 more transcripts); short protein forms P568L, P614L.
Identifiers: ClinVar variation 3899535 (VCV003899535.1).